The following is an entry in ClinVar:

NM_012463.4(ATP6V0A2):c.2327G>A (p.Arg776His)

Gene: ATP6V0A2 (ATPase H+ transporting V0 subunit a2; plus strand). Cytogenetic location: 12q24.31.
Variant type: single nucleotide variant.
Coding change: c.2327G>A on transcript NM_012463.4 (MANE Select); coding-DNA position 2327, G replaced by A.
Protein change: p.Arg776His; replaces arginine 776 with histidine.
Molecular consequence: missense variant.
Genome position (GRCh38, 1-based): chr12:123,756,848, G>A. VCF-style: chr12-123756848-G-A. GRCh37 (hg19) VCF-style: chr12-124241395-G-A.
Other names: c.2327G>A (NM_012463.3); short protein forms R776H.
Identifiers: ClinVar variation 1462973 (VCV001462973.5), dbSNP rs758922111, ClinGen allele CA6862214.
Genomic context (GRCh38, chr12:123,756,848, plus strand): 5'-ACCTGTGCAGGCTGCACTCCTTTGCAGAGTTGTCTGATGTCCTGTGGGCCATGCTGATGC[G>A]CGTGGGCCTCCGCGTTGACACCACCTATGGCGTCTTGCTACTGCTCCCGGTTATCGCGCT-3'
Protein context (NP_036595.2, residues 766-786): LSDVLWAMLM[Arg776His]VGLRVDTTYG

ClinVar aggregate classification (germline): Uncertain significance. Review status: criteria provided, multiple submitters, no conflicts (2 of 4 stars). 3 submissions from 3 submitters: Uncertain significance (3). Last evaluated 2023-03-06.

Conditions:
ALG9 congenital disorder of glycosylation (CDG1L). Also called: CONGENITAL DISORDER OF GLYCOSYLATION, TYPE Il; ALG9-CDG; CDG Il. Identifiers: Orphanet 79328, MedGen C2931006, MONDO:0012117, OMIM 608776.
Cutis laxa with osteodystrophy (ARCL2A). Also called: CUTIS LAXA WITH BONE DYSTROPHY; CUTIS LAXA WITH GROWTH AND DEVELOPMENTAL DELAY; CUTIS LAXA WITH JOINT LAXITY AND RETARDED DEVELOPMENT; Autosomal recessive cutis laxa type 2A; Debré-Type Cutis Laxa; CUTIS LAXA WITH CONGENITAL DISORDER OF GLYCOSYLATION. Identifiers: Orphanet 357058, MedGen C0268355, MONDO:0018163, OMIM 219200. Disease mechanism: loss of function.
Wrinkly skin syndrome (WSS). Also called: Type of Gerodermia osteodysplastica. Identifiers: Orphanet 2834, MedGen C0406587, MONDO:0010208, OMIM 278250.

Allele frequency attached by ClinVar (database versions not stated): TOPMed 0.00005; gnomAD 0.00006; ExAC 0.00007.
gnomAD v4.1: 52 of 1,614,010 alleles (0.0032%); highest among the groups gnomAD compares: Admixed American, 0.01%; no homozygotes.

Submissions (3):

GeneDx
Classification: Uncertain significance. Last evaluated: 2023-03-06. Review status: criteria provided, single submitter. Criteria: GeneDx Variant Classification Process June 2021. Collection method: clinical testing. Allele origin: germline. Affected: yes.
Comment: Has not been previously published as pathogenic or benign to our knowledge; In silico analysis supports that this missense variant does not alter protein structure/function

Labcorp Genetics (formerly Invitae), Labcorp
Classification: Uncertain significance for ALG9 congenital disorder of glycosylation. Last evaluated: 2022-07-12. Review status: criteria provided, single submitter. Criteria: Invitae Variant Classification Sherloc (09022015). Collection method: clinical testing. Allele origin: germline.
Comment: This sequence change replaces arginine, which is basic and polar, with histidine, which is basic and polar, at codon 776 of the ATP6V0A2 protein (p.Arg776His). The frequency data for this variant in the population databases is considered unreliable, as metrics indicate poor data quality at this position in the gnomAD database. This variant has not been reported in the literature in individuals affected with ATP6V0A2-related conditions. ClinVar contains an entry for this variant (Variation ID: 1462973). Algorithms developed to predict the effect of missense changes on protein structure and function output the following: SIFT: "Tolerated"; PolyPhen-2: "Benign"; Align-GVGD: "Class C0". The histidine amino acid residue is found in multiple mammalian species, which suggests that this missense change does not adversely affect protein function. In summary, the available evidence is currently insufficient to determine the role of this variant in disease. Therefore, it has been classified as a Variant of Uncertain Significance.

Fulgent Genetics
Classification: Uncertain significance for Cutis laxa with osteodystrophy; Wrinkly skin syndrome. Last evaluated: 2021-08-17. Review status: criteria provided, single submitter. Criteria: ACMG Guidelines, 2015. Collection method: clinical testing. Allele origin: unknown.